The following is an entry in ClinVar:

NM_000051.4(ATM):c.8272G>T (p.Val2758Phe)

Genes: ATM (ATM serine/threonine kinase; plus strand), C11orf65 (chromosome 11 open reading frame 65; minus strand). Cytogenetic location: 11q22.3.
Variant type: single nucleotide variant.
Coding change: c.8272G>T on transcript NM_000051.4 (MANE Select); coding-DNA position 8272, G replaced by T.
Protein change: p.Val2758Phe; replaces valine 2758 with phenylalanine.
Molecular consequence: missense variant. On other transcripts: intron variant (2).
Genome position (GRCh38, 1-based): chr11:108,343,225, G>T. VCF-style: chr11-108343225-G-T. GRCh37 (hg19) VCF-style: chr11-108213952-G-T.
Other names: c.8272G>T, p.Val2758Phe (NM_001351834.2); c.641-34154C>A (NM_001330368.2); c.695-7933C>A (NM_001351110.2); short protein forms V2758F.
Identifiers: ClinVar variation 482735 (VCV000482735.14), dbSNP rs1555135373, ClinGen allele CA382516291.

ClinVar aggregate classification (germline): Uncertain significance. Review status: criteria provided, multiple submitters, no conflicts (2 of 4 stars). 2 submissions from 2 submitters: Uncertain significance (2). Last evaluated 2024-11-07.
ClinVar aggregate classification (oncogenicity): Uncertain significance (1 of 4 stars; one submission).

Conditions:
Hereditary cancer-predisposing syndrome. Also called: Neoplastic Syndromes, Hereditary; Hereditary Cancer Syndrome; Tumor predisposition; Hereditary neoplastic syndrome. Identifiers: Orphanet 140162, MedGen C0027672, MeSH D009386, MONDO:0015356.
Ataxia-telangiectasia syndrome (AT). Also called: LOUIS-BAR SYNDROME; Cerebello-oculocutaneous telangiectasia; Immunodeficiency with ataxia telangiectasia; Ataxia-telangiectasia, complementation group D; AT, COMPLEMENTATION GROUP C; Ataxia-telangiectasia, complementation group E. Identifiers: Orphanet 100, MedGen C0004135, MONDO:0008840, OMIM 208900.
Neoplasm. Also called: tumor; Neoplasms; Neoplasm (disease). Identifiers: MedGen C0027651, MeSH D009369, MONDO:0005070, HP:0002664.

Submissions (3):

Center for Genomic Medicine, Rigshospitalet, Copenhagen University Hospital
Classification: Uncertain significance for Neoplasm. Last evaluated: 2025-03-04. Review status: criteria provided, single submitter. Criteria: ClinGen/CGC/VICC Guidelines for Oncogenicity, 2022. Collection method: clinical testing. Allele origin: somatic. Affected: yes.

Labcorp Genetics (formerly Invitae), Labcorp
Classification: Uncertain significance for Ataxia-telangiectasia syndrome. Last evaluated: 2024-11-07. Review status: criteria provided, single submitter. Criteria: Invitae Variant Classification Sherloc (09022015). Collection method: clinical testing. Allele origin: germline.
Comment: This sequence change replaces valine, which is neutral and non-polar, with phenylalanine, which is neutral and non-polar, at codon 2758 of the ATM protein (p.Val2758Phe). This variant is not present in population databases (gnomAD no frequency). This variant has not been reported in the literature in individuals affected with ATM-related conditions. ClinVar contains an entry for this variant (Variation ID: 482735). Invitae Evidence Modeling of protein sequence and biophysical properties (such as structural, functional, and spatial information, amino acid conservation, physicochemical variation, residue mobility, and thermodynamic stability) indicates that this missense variant is expected to disrupt ATM protein function with a positive predictive value of 95%. Algorithms developed to predict the effect of sequence changes on RNA splicing suggest that this variant may disrupt the consensus splice site. In summary, the available evidence is currently insufficient to determine the role of this variant in disease. Therefore, it has been classified as a Variant of Uncertain Significance.

Ambry Genetics
Classification: Uncertain significance for Hereditary cancer-predisposing syndrome. Last evaluated: 2024-06-03. Review status: criteria provided, single submitter. Criteria: Ambry Variant Classification Scheme 2023. Collection method: clinical testing. Allele origin: germline.
Comment: The p.V2758F variant (also known as c.8272G>T), located in coding exon 56 of the ATM gene, results from a G to T substitution at nucleotide position 8272. The valine at codon 2758 is replaced by phenylalanine, an amino acid with highly similar properties. This variant was identified in 1 of 13087 breast cancer cases and 0 of 5488 control individuals in the UK (Decker B et al. J Med Genet, 2017 Nov;54:732-741). This amino acid position is highly conserved in available vertebrate species. In addition, this alteration is predicted to be deleterious by in silico analysis. Based on the available evidence, the clinical significance of this variant remains unclear.

Literature cited by the submitters: PubMed 28779002 (cited by Ambry Genetics).